The following is an entry in ClinVar:

NM_002109.6(HARS1):c.490A>T (p.Thr164Ser)

Gene: HARS1 (histidyl-tRNA synthetase 1; minus strand). Cytogenetic location: 5q31.3.
Variant type: single nucleotide variant.
Coding change: c.490A>T on transcript NM_002109.6 (MANE Select); coding-DNA position 490, A replaced by T.
Protein change: p.Thr164Ser; replaces threonine 164 with serine.
Molecular consequence: missense variant. On other transcripts: intron variant (4).
Genome position (GRCh38, 1-based): chr5:140,679,034, T>A on the plus strand (A>T on the coding strand, the complement: HARS1 is on the minus strand). VCF-style: chr5-140679034-T-A. GRCh37 (hg19) VCF-style: chr5-140058619-T-A.
Other names: c.370A>T, p.Thr124Ser (NM_001258040.3); c.403A>T, p.Thr135Ser (NM_001289094.2); c.181-1019A>T (NM_001289093.2); c.342+28A>T (NM_001258042.3); c.301-1019A>T (NM_001289092.2); c.462+28A>T (NM_001258041.3); short protein forms T124S, T135S, T164S.
Identifiers: ClinVar variation 3654647 (VCV003654647.2).

ClinVar aggregate classification (germline): Uncertain significance (1 of 4 stars; one submission).

Conditions:
Usher syndrome type 3B. Also called: USHER SYNDROME, TYPE IIIB. Identifiers: MedGen C3281066, MONDO:0013788, OMIM 614504.

Submission:

Labcorp Genetics (formerly Invitae), Labcorp
Classification: Uncertain significance for Usher syndrome type 3B. Last evaluated: 2024-05-26. Review status: criteria provided, single submitter. Criteria: Invitae Variant Classification Sherloc (09022015). Collection method: clinical testing. Allele origin: germline.
Comment: This sequence change replaces threonine, which is neutral and polar, with serine, which is neutral and polar, at codon 164 of the HARS protein (p.Thr164Ser). This variant is not present in population databases (gnomAD no frequency). This variant has not been reported in the literature in individuals affected with HARS-related conditions. An algorithm developed to predict the effect of missense changes on protein structure and function (PolyPhen-2) suggests that this variant is likely to be disruptive. In summary, the available evidence is currently insufficient to determine the role of this variant in disease. Therefore, it has been classified as a Variant of Uncertain Significance.